The following is an entry in ClinVar:

ClinVar aggregate classification (germline): Likely pathogenic (1 of 4 stars; one submission).

Conditions:
Usher syndrome type 2A. Also called: RETINAL DISEASE IN USHER SYNDROME TYPE IIA, MODIFIER OF; USHER SYNDROME, TYPE IIA. Identifiers: Orphanet 231178, Orphanet 886, MedGen C1848634, MONDO:0010169, OMIM 276901.

Submission:

Natera, Inc.
Classification: Likely pathogenic for Usher syndrome type 2A. Last evaluated: 2024-03-17. Review status: criteria provided, single submitter. Criteria: Natera Variant Classification Schema (03/2026). Collection method: clinical testing. Allele origin: germline.
Comment: The c.9948dupT variant in USH2A is a frameshift variant predicted to shift the reading frame beginning at codon 3317 and leads to a stop codon 29 codons downstream. This variant is expected to result in nonsense mediated decay, truncation, or a dysfunctional protein product. This variant is rare in the general population with a frequency below the threshold expected for the associated phenotype(s). Given the available evidence, this variant is classified as Likely Pathogenic.

NM_206933.4(USH2A):c.9948dup (p.Arg3317fs)

Gene: USH2A (usherin; minus strand). Cytogenetic location: 1q41.
Variant type: Duplication.
Coding change: c.9948dup on transcript NM_206933.4 (MANE Select); coding-DNA position 9948, one base duplicated (T; older notation c.9948dupT).
Protein change: p.Arg3317fs; shifts the reading frame from arginine 3317.
Molecular consequence: frameshift variant.
Genome position (GRCh38, 1-based): chr1:215,798,917, A duplicated on the plus strand (T on the coding strand, the reverse complement: USH2A is on the minus strand). VCF-style (leftmost placement, unchanged base first): chr1-215798916-G-GA. GRCh37 (hg19) VCF-style: chr1-215972258-G-GA.
Other names: short protein forms R3317fs.
Identifiers: ClinVar variation 4817164 (VCV004817164.1).